The following is an entry in ClinVar:

NM_001904.4(CTNNB1):c.1857_1858del (p.Cys619_Glu620delinsTer)

Gene: CTNNB1 (catenin beta 1; plus strand). Cytogenetic location: 3p22.1.
Variant type: Microsatellite.
Coding change: c.1857_1858del on transcript NM_001904.4 (MANE Select); coding-DNA positions 1857 to 1858, 2 bases deleted (TG; older notation c.1857_1858delTG).
Protein change: p.Cys619_Glu620delinsTer.
Molecular consequence: nonsense.
Genome position (GRCh38, 1-based): chr3:41,236,402-41,236,403, TG deleted; deleting any 2 consecutive bases within chr3:41,236,400-41,236,403 gives the same sequence; the c. name uses the placement nearest the transcript's 3' end. VCF-style (leftmost placement, unchanged base first): chr3-41236399-CTG-C. GRCh37 (hg19) VCF-style: chr3-41277890-CTG-C.
Other names: c.1857_1858del, p.Cys619_Glu620delinsTer (NM_001098209.2, NM_001098210.2, NM_001438871.1 and 4 more transcripts); c.1836_1837del, p.Cys612_Glu613delinsTer (NM_001330729.2).
Identifiers: ClinVar variation 4849580 (VCV004849580.1).

ClinVar aggregate classification (germline): Likely pathogenic (1 of 4 stars; one submission).

Conditions:
Severe intellectual disability-progressive spastic diplegia syndrome (NEDSDV). Also called: NEURODEVELOPMENTAL DISORDER WITH SPASTIC DIPLEGIA AND VISUAL DEFECTS; CTNNB1 Neurodevelopmental Disorder. Identifiers: Orphanet 404473, MedGen C3554449, MONDO:0014035, OMIM 615075.

Submission:

Service of Pediatric Gastrohepatology and Metabolic Diseases, University of Medicine of Tirana
Classification: Likely pathogenic for Severe intellectual disability-progressive spastic diplegia syndrome. Last evaluated: 2026-04-29. Review status: criteria provided, single submitter. Criteria: ACMG Guidelines, 2015. Collection method: clinical testing. Allele origin: germline. Inheritance: Autosomal dominant inheritance. Affected: yes. Observed: 1 variant allele.
Comment: CTNNB1 c.1857_1858del was classified as Likely pathogenic using ACMG/AMP 2015 criteria (PMID:25741868). The frameshift/indel consequence supports PVS1 where loss of function is an established mechanism, together with PM2 for rarity/absence in population databases when reviewed and PP4 for concordance with CTNNB1-related neurodevelopmental disorder (OMIM:615075).